The following is an entry in ClinVar:

GRCh37/hg19 1q21.1-21.2(chr1:145415190-148809863)x3

Genes: ACP6 (acid phosphatase 6, lysophosphatidic; minus strand), ANKRD34A (ankyrin repeat domain 34A; minus strand), ANKRD35 (ankyrin repeat domain 35; minus strand), BCL9 (BCL9 transcription coactivator; plus strand), CD160 (CD160 molecule; plus strand) and 26 more. Cytogenetic location: 1q21.1-21.2.
Variant type: copy number gain.
Change: copy number 3 (three copies instead of two) of chr1:145,415,190-148,809,863 (3.39 Mb, GRCh37 coordinates, 1-based), cytogenetic band 1q21.1-21.2.
Identifiers: ClinVar variation 152024 (VCV000152024.2).

ClinVar aggregate classification (germline): Pathogenic/Likely pathogenic (0 of 4 stars; one submission).

Submission:

ISCA site 1
Classification: Pathogenic/Likely pathogenic. Last evaluated: 2013-01-09. Review status: no assertion criteria provided. Collection method: clinical testing. Allele origin: unknown. Affected: yes. Observed: 2 variant alleles.
Comment: Pathogenic(1), Likely pathogenic(1)

Copy number variation identified through the course of routine clinical cytogenomic testing in postnatal populations, with clinical assertions as classified by the original submitter. For data from the original published study, Kaminsky, et al. 2011 (PubMed 21844811), please see nstd101.